The following is an entry in ClinVar:

ClinVar aggregate classification (germline): Likely pathogenic (1 of 4 stars; one submission).

Conditions:
Familial renal glucosuria (GLYS). Also called: RENAL GLUCOSURIA, AUTOSOMAL DOMINANT; Familial renal glycosuria. Identifiers: Orphanet 69076, MedGen C3245525, MONDO:0009297, OMIM 233100.

Submission:

MVZ Medizinische Genetik Mainz
Classification: Likely pathogenic for Familial renal glucosuria. Last evaluated: 2025-06-18. Review status: criteria provided, single submitter. Criteria: UK Practice Guidelines For Variant Classification V4 01 2020. Collection method: clinical testing. Allele origin: germline. Inheritance: Autosomal recessive inheritance. Affected: yes. Observed: 1 variant allele.
Comment: ACMG Criteria: PM5,PP3_MOD,PM2_SUP,PP4

NM_003041.4(SLC5A2):c.394C>G (p.Arg132Gly)

Gene: SLC5A2 (solute carrier family 5 member 2; plus strand). Cytogenetic location: 16p11.2.
Variant type: single nucleotide variant.
Coding change: c.394C>G on transcript NM_003041.4 (MANE Select); coding-DNA position 394, C replaced by G.
Protein change: p.Arg132Gly; replaces arginine 132 with glycine.
Molecular consequence: missense variant. On other transcripts: non-coding transcript variant (1).
Genome position (GRCh38, 1-based): chr16:31,485,819, C>G. VCF-style: chr16-31485819-C-G. GRCh37 (hg19) VCF-style: chr16-31497140-C-G.
Other names: short protein forms R132G.
Identifiers: ClinVar variation 5038145 (VCV005038145.1).